The following is an entry in ClinVar:

NM_001290060.2(SEMA3B):c.605G>A (p.Arg202His)

Gene: SEMA3B (semaphorin 3B; plus strand). Cytogenetic location: 3p21.31.
Variant type: single nucleotide variant.
Coding change: c.605G>A on transcript NM_001290060.2 (MANE Select); coding-DNA position 605, G replaced by A.
Protein change: p.Arg202His; replaces arginine 202 with histidine.
Molecular consequence: missense variant.
Genome position (GRCh38, 1-based): chr3:50,271,421, G>A. VCF-style: chr3-50271421-G-A. GRCh37 (hg19) VCF-style: chr3-50308852-G-A.
Other names: c.605G>A, p.Arg202His (NM_001005914.3, NM_001290061.1, NM_004636.4); short protein forms R202H.
Identifiers: ClinVar variation 3356858 (VCV003356858.1).

ClinVar aggregate classification (germline): Uncertain significance (0 of 4 stars; one submission).

Conditions:
SEMA3B-related disorder. Also called: SEMA3B-related condition.

Submission:

PreventionGenetics, part of Exact Sciences
Classification: Uncertain significance for SEMA3B-related condition. Last evaluated: 2024-07-05. Review status: no assertion criteria provided. Collection method: clinical testing. Allele origin: germline.
Comment: The SEMA3B c.605G>A variant is predicted to result in the amino acid substitution p.Arg202His. To our knowledge, this variant has not been reported in the literature. This variant is reported in 0.0011% of alleles in individuals of European (Non-Finnish) descent in gnomAD. At this time, the clinical significance of this variant is uncertain due to the absence of conclusive functional and genetic evidence.